The following is an entry in ClinVar:

ClinVar aggregate classification (germline): Uncertain significance (1 of 4 stars; one submission).

gnomAD v4.1: 4 of 1,592,516 alleles (0.00025%); highest among the groups gnomAD compares: Non-Finnish European, 0.00034%; no homozygotes.

Submission:

Labcorp Genetics (formerly Invitae), Labcorp
Classification: Uncertain significance. Last evaluated: 2025-02-27. Review status: criteria provided, single submitter. Criteria: Invitae Variant Classification Sherloc (09022015). Collection method: clinical testing. Allele origin: germline.
Comment: This sequence change replaces asparagine, which is neutral and polar, with serine, which is neutral and polar, at codon 501 of the GUF1 protein (p.Asn501Ser). This variant is not present in population databases (gnomAD no frequency). This variant has not been reported in the literature in individuals affected with GUF1-related conditions. Invitae Evidence Modeling of protein sequence and biophysical properties (such as structural, functional, and spatial information, amino acid conservation, physicochemical variation, residue mobility, and thermodynamic stability) indicates that this missense variant is not expected to disrupt GUF1 protein function with a negative predictive value of 80%. In summary, the available evidence is currently insufficient to determine the role of this variant in disease. Therefore, it has been classified as a Variant of Uncertain Significance.

NM_021927.3(GUF1):c.1502A>G (p.Asn501Ser)

Gene: GUF1 (GTP binding elongation factor GUF1; plus strand). Cytogenetic location: 4p12.
Variant type: single nucleotide variant.
Coding change: c.1502A>G on transcript NM_021927.3 (MANE Select); coding-DNA position 1502, A replaced by G.
Protein change: p.Asn501Ser; replaces asparagine 501 with serine.
Molecular consequence: missense variant.
Genome position (GRCh38, 1-based): chr4:44,691,688, A>G. VCF-style: chr4-44691688-A-G. GRCh37 (hg19) VCF-style: chr4-44693705-A-G.
Other names: c.530A>G, p.Asn177Ser (NM_001345867.2, NM_001345869.2); c.1502A>G, p.Asn501Ser (NM_001345868.2); short protein forms N501S, N177S.
Identifiers: ClinVar variation 4760015 (VCV004760015.1).